The following is an entry in ClinVar:

NM_001042492.3(NF1):c.2850+2T>C

Gene: NF1 (neurofibromin 1; plus strand). Cytogenetic location: 17q11.2.
Variant type: single nucleotide variant.
Coding change: c.2850+2T>C on transcript NM_001042492.3 (MANE Select); the canonical splice donor site of the intron after coding-DNA position 2850, T replaced by C.
Molecular consequence: splice donor variant.
Genome position (GRCh38, 1-based): chr17:31,229,467, T>C. VCF-style: chr17-31229467-T-C. GRCh37 (hg19) VCF-style: chr17-29556485-T-C.
Other names: c.2850+2T>C (NM_000267.4).
Identifiers: ClinVar variation 1500399 (VCV001500399.9), dbSNP rs1597715880, ClinGen allele CA398985904.

ClinVar aggregate classification (germline): Pathogenic. Review status: criteria provided, multiple submitters, no conflicts (2 of 4 stars). 2 submissions from 2 submitters: Pathogenic (2). Last evaluated 2026-04-03.

Conditions:
Neurofibromatosis, type 1 (NF1). Also called: NEUROFIBROMATOSIS, TYPE I, SOMATIC; Peripheral type neurofibromatosis; VON RECKLINGHAUSEN DISEASE; Neurofibromatosis, type I. Identifiers: Orphanet 636, MedGen C0027831, MONDO:0018975, OMIM 162200. Disease mechanism: loss of function.
Hereditary cancer-predisposing syndrome. Also called: Tumor predisposition; Neoplastic Syndromes, Hereditary; Hereditary Cancer Syndrome; Hereditary neoplastic syndrome. Identifiers: Orphanet 140162, MedGen C0027672, MeSH D009386, MONDO:0015356.
Cardiovascular phenotype. Identifiers: MedGen CN230736.

Submissions (2):

Ambry Genetics
Classification: Pathogenic for Cardiovascular phenotype; Hereditary cancer-predisposing syndrome. Last evaluated: 2026-04-03. Review status: criteria provided, single submitter. Criteria: Ambry Variant Classification Scheme 2023. Collection method: clinical testing. Allele origin: germline.
Comment: The c.2850+2T>C intronic variant results from a T to C substitution two nucleotides after coding exon 21 in the NF1 gene. This variant was reported in individual(s) with features consistent with neurofibromatosis type 1 (Liu C et al. Cancer Manag Res, 2022 Oct;14:2979-2986; external communication). This nucleotide position is highly conserved in available vertebrate species. In silico splice site analysis predicts that this alteration will weaken the native splice donor site; however, direct evidence is insufficient at this time (Ambry internal data). Alterations that disrupt the canonical splice site are expected to cause aberrant splicing, resulting in an abnormal protein or a transcript that is subject to nonsense-mediated mRNA decay; however, +2T>C alterations are capable of generating wild-type transcripts in some genomic contexts and should be interpreted with caution (Lin JH et al. Hum Mutat. 2019 10;40:1856-1873). Based on the supporting evidence, this variant is interpreted as a disease-causing mutation.

Labcorp Genetics (formerly Invitae), Labcorp
Classification: Pathogenic for Neurofibromatosis, type 1. Last evaluated: 2022-11-15. Review status: criteria provided, single submitter. Criteria: Invitae Variant Classification Sherloc (09022015). Collection method: clinical testing. Allele origin: germline.
Comment: For these reasons, this variant has been classified as Pathogenic. This sequence change affects a donor splice site in intron 21 of the NF1 gene. It is expected to disrupt RNA splicing. Variants that disrupt the donor or acceptor splice site typically lead to a loss of protein function (PMID: 16199547), and loss-of-function variants in NF1 are known to be pathogenic (PMID: 10712197, 23913538). This variant is not present in population databases (gnomAD no frequency). Studies have shown that disruption of this splice site is associated with altered splicing resulting in multiple RNA products (PMID: 12807981, 25480383, 27074763). Disruption of this splice site has been observed in individual(s) with neurofibromatosis type 1 (PMID: 25480383, 27999334, 31370276; Invitae). ClinVar contains an entry for this variant (Variation ID: 1500399).

Literature cited by the submitters: PubMed 36247331 (cited by Ambry Genetics); PubMed 16199547 (cited by Labcorp Genetics (formerly Invitae), Labcorp); PubMed 10712197 (cited by Labcorp Genetics (formerly Invitae), Labcorp); PubMed 23913538 (cited by Labcorp Genetics (formerly Invitae), Labcorp); PubMed 12807981 (cited by Labcorp Genetics (formerly Invitae), Labcorp); PubMed 25480383 (cited by Labcorp Genetics (formerly Invitae), Labcorp); PubMed 27074763 (cited by Labcorp Genetics (formerly Invitae), Labcorp); PubMed 27999334 (cited by Labcorp Genetics (formerly Invitae), Labcorp); PubMed 31370276 (cited by Labcorp Genetics (formerly Invitae), Labcorp).